The following is an entry in ClinVar:

NM_000384.3(APOB):c.11788+4A>G

Gene: APOB (apolipoprotein B; minus strand). Cytogenetic location: 2p24.1.
Variant type: single nucleotide variant.
Coding change: c.11788+4A>G on transcript NM_000384.3 (MANE Select); 4 bases into the intron after coding-DNA position 11788, A replaced by G.
Molecular consequence: intron variant.
Genome position (GRCh38, 1-based): chr2:21,005,076, T>C on the plus strand (A>G on the coding strand, the complement: APOB is on the minus strand). VCF-style: chr2-21005076-T-C. GRCh37 (hg19) VCF-style: chr2-21227948-T-C.
Identifiers: ClinVar variation 3932318 (VCV003932318.3).

ClinVar aggregate classification (germline): Uncertain significance. Review status: criteria provided, multiple submitters, no conflicts (2 of 4 stars). 3 submissions from 3 submitters: Uncertain significance (3). Last evaluated 2026-03-07.

Conditions:
Cardiovascular phenotype. Identifiers: MedGen CN230736.
Hypercholesterolemia, autosomal dominant, type B (FHCL2). Also called: Familial Hypercholesterolemia Type B; APOLIPOPROTEIN B-100, FAMILIAL DEFECTIVE; APOLIPOPROTEIN B-100, FAMILIAL LIGAND-DEFECTIVE; HYPERCHOLESTEROLEMIA, FAMILIAL, DUE TO LIGAND-DEFECTIVE APOLIPOPROTEIN B; Hyperlipoproteinemia Type IIb; APOB-Related Familial Hypercholesterolemia, Autosomal Dominant. Identifiers: MedGen C1704417, MONDO:0007751, OMIM 144010.
Familial hypobetalipoproteinemia 1. Also called: Hypobetalipoproteinemia, normotriglyceridemic; Acanthocytosis with hypobetalipoproteinemia; APOB-Related Familial Hypobetalipoproteinemia. Identifiers: MedGen C4551990, MONDO:0014252, OMIM 615558.

gnomAD v4.1: 9 of 1,613,598 alleles (0.00056%); highest among the groups gnomAD compares: Non-Finnish European, 0.00076%; no homozygotes.

Submissions (3):

GeneDx
Classification: Uncertain significance. Last evaluated: 2026-03-07. Review status: criteria provided, single submitter. Criteria: GeneDx Variant Classification Process June 2021. Collection method: clinical testing. Allele origin: germline.
Comment: Not observed at significant frequency in large population cohorts (gnomAD); Has not been previously published as pathogenic or benign to our knowledge; In silico analysis is inconclusive as to whether the variant alters gene splicing. In the absence of RNA/functional studies, the actual effect of this sequence change is unknown.

Labcorp Genetics (formerly Invitae), Labcorp
Classification: Uncertain significance for Familial hypobetalipoproteinemia 1; Hypercholesterolemia, autosomal dominant, type B. Last evaluated: 2025-10-17. Review status: criteria provided, single submitter. Criteria: Invitae Variant Classification Sherloc (09022015). Collection method: clinical testing. Allele origin: germline.
Comment: This sequence change falls in intron 26 of the APOB gene. It does not directly change the encoded amino acid sequence of the APOB protein. It affects a nucleotide within the consensus splice site. The frequency data for this variant in the population databases is considered unreliable, as metrics indicate poor data quality at this position in the gnomAD database. This variant has not been reported in the literature in individuals affected with APOB-related conditions. ClinVar contains an entry for this variant (Variation ID: 3932318). Variants that disrupt the consensus splice site are a relatively common cause of aberrant splicing (PMID: 17576681, 9536098). Algorithms developed to predict the effect of sequence changes on RNA splicing suggest that this variant may disrupt the consensus splice site. In summary, the available evidence is currently insufficient to determine the role of this variant in disease. Therefore, it has been classified as a Variant of Uncertain Significance.

Ambry Genetics
Classification: Uncertain significance for Cardiovascular phenotype. Last evaluated: 2025-04-23. Review status: criteria provided, single submitter. Criteria: Ambry Variant Classification Scheme 2023. Collection method: clinical testing. Allele origin: germline.
Comment: The c.11788+4A>G intronic variant results from an A to G substitution 4 nucleotides after coding exon 26 in the APOB gene. This nucleotide position is highly conserved in available vertebrate species. In silico splice site analysis predicts that this alteration may weaken the native splice donor site. Based on the available evidence, the clinical significance of this variant remains unclear.

Literature cited by the submitters: PubMed 17576681 (cited by Labcorp Genetics (formerly Invitae), Labcorp); PubMed 9536098 (cited by Labcorp Genetics (formerly Invitae), Labcorp).